The following is an entry in ClinVar:

NM_173630.4(RTTN):c.3593A>G (p.Asp1198Gly)

Gene: RTTN (rotatin; minus strand). Cytogenetic location: 18q22.2.
Variant type: single nucleotide variant.
Coding change: c.3593A>G on transcript NM_173630.4 (MANE Select); coding-DNA position 3593, A replaced by G.
Protein change: p.Asp1198Gly; replaces aspartic acid 1198 with glycine.
Molecular consequence: missense variant.
Genome position (GRCh38, 1-based): chr18:70,114,535, T>C on the plus strand (A>G on the coding strand, the complement: RTTN is on the minus strand). VCF-style: chr18-70114535-T-C. GRCh37 (hg19) VCF-style: chr18-67781771-T-C.
Other names: c.857A>G, p.Asp286Gly (NM_001318520.2); c.3593A>G (NM_173630.3); short protein forms D286G, D1198G.
Identifiers: ClinVar variation 2081811 (VCV002081811.2), dbSNP rs199541099, ClinGen allele CA8995546.

ClinVar aggregate classification (germline): Uncertain significance. Review status: criteria provided, multiple submitters, no conflicts (2 of 4 stars). 2 submissions from 2 submitters: Uncertain significance (2). Last evaluated 2024-12-02.

Conditions:
Inborn genetic diseases. Identifiers: MedGen C0950123, MeSH D030342.

Allele frequency attached by ClinVar (database versions not stated): gnomAD 0.00001; TOPMed 0.00001; ExAC 0.00007; gnomAD exomes 0.00010.
gnomAD v4.1: 146 of 1,613,620 alleles (0.009%); highest among the groups gnomAD compares: Non-Finnish European, 0.011%; no homozygotes.

Submissions (2):

Ambry Genetics
Classification: Uncertain significance for Inborn genetic diseases. Last evaluated: 2024-12-02. Review status: criteria provided, single submitter. Criteria: Ambry Variant Classification Scheme 2023. Collection method: clinical testing. Allele origin: germline.

Labcorp Genetics (formerly Invitae), Labcorp
Classification: Uncertain significance. Last evaluated: 2022-11-01. Review status: criteria provided, single submitter. Criteria: Invitae Variant Classification Sherloc (09022015). Collection method: clinical testing. Allele origin: germline.
Comment: This sequence change replaces aspartic acid, which is acidic and polar, with glycine, which is neutral and non-polar, at codon 1198 of the RTTN protein (p.Asp1198Gly). This variant is present in population databases (rs199541099, gnomAD 0.01%). This variant has not been reported in the literature in individuals affected with RTTN-related conditions. Advanced modeling of protein sequence and biophysical properties (such as structural, functional, and spatial information, amino acid conservation, physicochemical variation, residue mobility, and thermodynamic stability) has been performed at Invitae for this missense variant, however the output from this modeling did not meet the statistical confidence thresholds required to predict the impact of this variant on RTTN protein function. In summary, the available evidence is currently insufficient to determine the role of this variant in disease. Therefore, it has been classified as a Variant of Uncertain Significance.